The following is an entry in ClinVar:

NM_000387.6(SLC25A20):c.487T>C (p.Phe163Leu)

Gene: SLC25A20 (solute carrier family 25 member 20; minus strand). Cytogenetic location: 3p21.31.
Variant type: single nucleotide variant.
Coding change: c.487T>C on transcript NM_000387.6 (MANE Select); coding-DNA position 487, T replaced by C.
Protein change: p.Phe163Leu; replaces phenylalanine 163 with leucine.
Molecular consequence: missense variant.
Genome position (GRCh38, 1-based): chr3:48,862,590, A>G on the plus strand (T>C on the coding strand, the complement: SLC25A20 is on the minus strand). VCF-style: chr3-48862590-A-G. GRCh37 (hg19) VCF-style: chr3-48900023-A-G.
Other names: c.487T>C (NM_000387.5); short protein forms F163L.
Identifiers: ClinVar variation 1931084 (VCV001931084.5), dbSNP rs533502269, ClinGen allele CA2387388.

ClinVar aggregate classification (germline): Uncertain significance. Review status: criteria provided, multiple submitters, no conflicts (2 of 4 stars). 2 submissions from 2 submitters: Uncertain significance (2). Last evaluated 2025-08-11.

Conditions:
Inborn genetic diseases. Identifiers: MedGen C0950123, MeSH D030342.
Carnitine acylcarnitine translocase deficiency (CACTD). Identifiers: Orphanet 159, MedGen C0342791, MONDO:0008918, OMIM 212138.

Allele frequency attached by ClinVar (database versions not stated): gnomAD exomes below 0.00001; ExAC 0.00001; gnomAD 0.00001; 1000 Genomes Project 30x 0.00016; 1000 Genomes Project 0.00020.
gnomAD v4.1: 4 of 1,613,780 alleles (0.00025%); highest among the groups gnomAD compares: Non-Finnish European, 0.00034%; no homozygotes.

Submissions (2):

Ambry Genetics
Classification: Uncertain significance for Inborn genetic diseases. Last evaluated: 2025-08-11. Review status: criteria provided, single submitter. Criteria: Ambry Variant Classification Scheme 2023. Collection method: clinical testing. Allele origin: germline.

Labcorp Genetics (formerly Invitae), Labcorp
Classification: Uncertain significance for Carnitine acylcarnitine translocase deficiency. Last evaluated: 2022-04-11. Review status: criteria provided, single submitter. Criteria: Invitae Variant Classification Sherloc (09022015). Collection method: clinical testing. Allele origin: germline.
Comment: In summary, the available evidence is currently insufficient to determine the role of this variant in disease. Therefore, it has been classified as a Variant of Uncertain Significance. Algorithms developed to predict the effect of missense changes on protein structure and function (SIFT, PolyPhen-2, Align-GVGD) all suggest that this variant is likely to be tolerated. This variant has not been reported in the literature in individuals affected with SLC25A20-related conditions. The frequency data for this variant in the population databases is considered unreliable, as metrics indicate poor data quality at this position in the gnomAD database. This sequence change replaces phenylalanine, which is neutral and non-polar, with leucine, which is neutral and non-polar, at codon 163 of the SLC25A20 protein (p.Phe163Leu).